The following is an entry in ClinVar:

ClinVar aggregate classification (germline): Uncertain significance (1 of 4 stars; one submission).

Conditions:
Severe myoclonic epilepsy in infancy (DRVT). Also called: Epileptic encephalopathy, early infantile, 6 (Dravet syndrome); Dravet syndrome; SEVERE MYOCLONIC EPILEPSY OF INFANCY; DEVELOPMENTAL AND EPILEPTIC ENCEPHALOPATHY 6A; Severe Myoclonic Epilepsy in Infancy (SMEI). Identifiers: Orphanet 33069, MedGen C0751122, MONDO:0100135, OMIM 607208.

Submission:

Labcorp Genetics (formerly Invitae), Labcorp
Classification: Uncertain significance for Severe myoclonic epilepsy in infancy. Last evaluated: 2021-11-23. Review status: criteria provided, single submitter. Criteria: Invitae Variant Classification Sherloc (09022015). Collection method: clinical testing. Allele origin: germline.
Comment: In summary, the available evidence is currently insufficient to determine the role of this variant in disease. Therefore, it has been classified as a Variant of Uncertain Significance. Algorithms developed to predict the effect of missense changes on protein structure and function (SIFT, PolyPhen-2, Align-GVGD) all suggest that this variant is likely to be disruptive. This variant has not been reported in the literature in individuals affected with SNX27-related conditions. This variant is not present in population databases (gnomAD no frequency). This sequence change replaces alanine, which is neutral and non-polar, with threonine, which is neutral and polar, at codon 162 of the SNX27 protein (p.Ala162Thr).

NM_001330723.2(SNX27):c.484G>A (p.Ala162Thr)

Gene: SNX27 (sorting nexin 27; plus strand). Cytogenetic location: 1q21.3.
Variant type: single nucleotide variant.
Coding change: c.484G>A on transcript NM_001330723.2 (MANE Select); coding-DNA position 484, G replaced by A.
Protein change: p.Ala162Thr; replaces alanine 162 with threonine.
Molecular consequence: missense variant.
Genome position (GRCh38, 1-based): chr1:151,639,060, G>A. VCF-style: chr1-151639060-G-A. GRCh37 (hg19) VCF-style: chr1-151611536-G-A.
Other names: c.484G>A, p.Ala162Thr (NM_030918.6); short protein forms A162T.
Identifiers: ClinVar variation 1449346 (VCV001449346.6), dbSNP rs2102633390, ClinGen allele CA341982479.